The following is an entry in ClinVar:

NM_001283009.2(RTEL1):c.1294C>T (p.Arg432Trp)

Genes: RTEL1 (regulator of telomere elongation helicase 1; plus strand), RTEL1-TNFRSF6B (RTEL1-TNFRSF6B readthrough (NMD candidate); plus strand). Cytogenetic location: 20q13.33.
Variant type: single nucleotide variant.
Coding change: c.1294C>T on transcript NM_001283009.2 (MANE Select); coding-DNA position 1294, C replaced by T.
Protein change: p.Arg432Trp; replaces arginine 432 with tryptophan.
Molecular consequence: missense variant. On other transcripts: non-coding transcript variant (1).
Genome position (GRCh38, 1-based): chr20:63,685,818, C>T. VCF-style: chr20-63685818-C-T. GRCh37 (hg19) VCF-style: chr20-62317171-C-T.
Other names: c.1366C>T (NM_032957.4); c.625C>T, p.Arg209Trp (NM_001283010.1); c.1294C>T, p.Arg432Trp (NM_016434.4); c.1366C>T, p.Arg456Trp (NM_032957.5); short protein forms R432W, R209W, R456W.
Identifiers: ClinVar variation 957055 (VCV000957055.8), dbSNP rs748434559, ClinGen allele CA9964725.
Genomic context (GRCh38, chr20:63,685,818, plus strand): 5'-GGGCCTCCACACTCCTGGTCCTGTCCCCTCCAGGTGCACATCCATCCTGATGCTGGTCAC[C>T]GGAGGACGGCTCAGCGGTCTGATGCCTGGAGCACCACTGCAGCCAGAAAGCGAGGTACAG-3'
Protein context (NP_001269938.1, residues 422-442): KVHIHPDAGH[Arg432Trp]RTAQRSDAWS

ClinVar aggregate classification (germline): Conflicting classifications of pathogenicity. Review status: criteria provided, conflicting classifications (1 of 4 stars). 4 submissions from 4 submitters: Uncertain significance (2); Likely benign (1). 1 of the submissions does not count toward it. Last evaluated 2025-08-14.

Conditions:
Inborn genetic diseases. Identifiers: MedGen C0950123, MeSH D030342.
Pulmonary fibrosis and/or bone marrow failure, Telomere-related, 3. Also called: PULMONARY FIBROSIS AND/OR BONE MARROW FAILURE SYNDROME, TELOMERE-RELATED, 3. Identifiers: Orphanet 2032, MedGen C4225346, MONDO:0014613, OMIM 616373.
Dyskeratosis congenita, autosomal recessive 5 (DKCB5). Identifiers: MedGen C3554656, MONDO:0014076, OMIM 615190.
Dyskeratosis congenita. Identifiers: Orphanet 1775, MedGen C0265965, MONDO:0015780.

Allele frequency attached by ClinVar (database versions not stated): ExAC 0.00002; gnomAD 0.00003; gnomAD exomes 0.00003; TOPMed 0.00006.
gnomAD v4.1: 67 of 1,612,500 alleles (0.0042%); highest among the groups gnomAD compares: Middle Eastern, 0.033%; no homozygotes.

Submissions (4):

Ambry Genetics
Classification: Uncertain significance for Inborn genetic diseases. Last evaluated: 2025-08-14. Review status: criteria provided, single submitter. Criteria: Ambry Variant Classification Scheme 2023. Collection method: clinical testing. Allele origin: germline.

Labcorp Genetics (formerly Invitae), Labcorp
Classification: Uncertain significance for Dyskeratosis congenita, autosomal recessive 5; Pulmonary fibrosis and/or bone marrow failure, Telomere-related, 3. Last evaluated: 2025-02-02. Review status: criteria provided, single submitter. Criteria: Invitae Variant Classification Sherloc (09022015). Collection method: clinical testing. Allele origin: germline.
Comment: This sequence change replaces arginine, which is basic and polar, with tryptophan, which is neutral and slightly polar, at codon 432 of the RTEL1 protein (p.Arg432Trp). This variant is present in population databases (rs748434559, gnomAD 0.01%). This variant has not been reported in the literature in individuals affected with RTEL1-related conditions. ClinVar contains an entry for this variant (Variation ID: 957055). An algorithm developed to predict the effect of missense changes on protein structure and function outputs the following: PolyPhen-2: "Benign". The tryptophan amino acid residue is found in multiple mammalian species, which suggests that this missense change does not adversely affect protein function. In summary, the available evidence is currently insufficient to determine the role of this variant in disease. Therefore, it has been classified as a Variant of Uncertain Significance.

Blueprint Genetics
Classification: Likely benign. Last evaluated: 2022-11-01. Review status: criteria provided, single submitter. Criteria: ACMG Guidelines, 2015. Collection method: clinical testing. Allele origin: germline.

Natera, Inc.
Classification: Uncertain significance for Dyskeratosis congenita. Last evaluated: 2020-01-24. Review status: no assertion criteria provided. Collection method: clinical testing. Allele origin: germline. Not counted in ClinVar's aggregate classification.